The following is an entry in ClinVar:

ClinVar aggregate classification (germline): Uncertain significance. Review status: criteria provided, multiple submitters, no conflicts (2 of 4 stars). 3 submissions from 3 submitters: Uncertain significance (3). Last evaluated 2025-06-28.

Conditions:
Cardiovascular phenotype. Identifiers: MedGen CN230736.
RASopathy. Also called: Noonan spectrum disorder; rasopathies. Identifiers: Orphanet 536391, MedGen C5555857, MONDO:0021060.

gnomAD v4.1: 1 of 1,613,298 alleles (0.000062%); no homozygotes.

Submissions (3):

Ambry Genetics
Classification: Uncertain significance for Cardiovascular phenotype. Last evaluated: 2025-06-28. Review status: criteria provided, single submitter. Criteria: Ambry Variant Classification Scheme 2023. Collection method: clinical testing. Allele origin: germline.
Comment: The p.K389R variant (also known as c.1166A>G), located in coding exon 10 of the PTPN11 gene, results from an A to G substitution at nucleotide position 1166. The lysine at codon 389 is replaced by arginine, an amino acid with highly similar properties. This amino acid position is conserved. In addition, this alteration is predicted to be tolerated by in silico analysis. Based on the available evidence, the clinical significance of this variant remains unclear.

Labcorp Genetics (formerly Invitae), Labcorp
Classification: Uncertain significance for RASopathy. Last evaluated: 2024-10-23. Review status: criteria provided, single submitter. Criteria: Invitae Variant Classification Sherloc (09022015). Collection method: clinical testing. Allele origin: germline.
Comment: This sequence change replaces lysine, which is basic and polar, with arginine, which is basic and polar, at codon 389 of the PTPN11 protein (p.Lys389Arg). This variant is not present in population databases (gnomAD no frequency). This variant has not been reported in the literature in individuals affected with PTPN11-related conditions. ClinVar contains an entry for this variant (Variation ID: 1487966). Invitae Evidence Modeling of protein sequence and biophysical properties (such as structural, functional, and spatial information, amino acid conservation, physicochemical variation, residue mobility, and thermodynamic stability) indicates that this missense variant is not expected to disrupt PTPN11 protein function with a negative predictive value of 80%. In summary, the available evidence is currently insufficient to determine the role of this variant in disease. Therefore, it has been classified as a Variant of Uncertain Significance.

GeneDx
Classification: Uncertain significance. Last evaluated: 2024-07-17. Review status: criteria provided, single submitter. Criteria: GeneDx Variant Classification Process June 2021. Collection method: clinical testing. Allele origin: germline. Affected: yes.
Comment: Not observed at significant frequency in large population cohorts (gnomAD); Missense variants in this gene are a common cause of disease and they are underrepresented in the general population; In silico analysis indicates that this missense variant does not alter protein structure/function; Has not been previously published as pathogenic or benign to our knowledge; This variant is associated with the following publications: (PMID: 29493581)

NM_002834.5(PTPN11):c.1166A>G (p.Lys389Arg)

Gene: PTPN11 (protein tyrosine phosphatase non-receptor type 11; plus strand). Cytogenetic location: 12q24.13.
Variant type: single nucleotide variant.
Coding change: c.1166A>G on transcript NM_002834.5 (MANE Select); coding-DNA position 1166, A replaced by G.
Protein change: p.Lys389Arg; replaces lysine 389 with arginine.
Molecular consequence: missense variant.
Genome position (GRCh38, 1-based): chr12:112,482,147, A>G. VCF-style: chr12-112482147-A-G. GRCh37 (hg19) VCF-style: chr12-112919951-A-G.
Other names: c.1166A>G, p.Lys389Arg (NM_001330437.2, NM_080601.3); c.1163A>G, p.Lys388Arg (NM_001374625.1); c.1166A>G (NM_002834.3); short protein forms K388R, K389R.
Identifiers: ClinVar variation 1487966 (VCV001487966.8), dbSNP rs2038606620, ClinGen allele CA386775826.